The following is an entry in ClinVar:

NM_000152.5(GAA):c.406T>A (p.Tyr136Asn)

Gene: GAA (alpha glucosidase; plus strand). Cytogenetic location: 17q25.3.
Variant type: single nucleotide variant.
Coding change: c.406T>A on transcript NM_000152.5 (MANE Select); coding-DNA position 406, T replaced by A.
Protein change: p.Tyr136Asn; replaces tyrosine 136 with asparagine.
Molecular consequence: missense variant.
Genome position (GRCh38, 1-based): chr17:80,104,992, T>A. VCF-style: chr17-80104992-T-A. GRCh37 (hg19) VCF-style: chr17-78078791-T-A.
Other names: c.406T>A, p.Tyr136Asn (NM_001079803.3, NM_001079804.3, NM_001406741.1 and 1 more transcripts); short protein forms Y136N.
Identifiers: ClinVar variation 4876322 (VCV004876322.1).

ClinVar aggregate classification (germline): Uncertain significance (1 of 4 stars; one submission).

Conditions:
Glycogen storage disease, type II (IOPD). Also called: Pompe Disease; CARDIOMEGALIA GLYCOGENICA DIFFUSA; GLYCOGENOSIS, GENERALIZED, CARDIAC FORM; GSD II; POMPE DISEASE, INFANTILE-ONSET; GLYCOGEN STORAGE DISEASE II, INFANTILE-ONSET. Identifiers: Orphanet 365, MedGen C0017921, MONDO:0009290, OMIM 232300.

Submission:

Genomenon, Inc
Classification: Uncertain significance for Glycogen storage disease, type II. Last evaluated: 2026-07-01. Review status: criteria provided, single submitter. Criteria: Genomenon Sequence Variant Interpretation Standards - Updated. Collection method: curation. Allele origin: germline. Affected: yes.
Comment: GAA p.Tyr136Asn (c.406T>A) is a missense variant that changes the amino acid at codon 136 from Tyrosine to Asparagine. This variant has been observed in at least one proband with a GAA-related disorder (PMID:40225932). It is absent or not present at a significant frequency in gnomAD. In silico models predict that this variant is possibly or probably damaging. In conclusion, we classify GAA p.Tyr136Asn (c.406T>A) as a variant of uncertain significance.

Literature cited by the submitters: PubMed 40225932.